The following is an entry in ClinVar:

ClinVar aggregate classification (germline): Likely pathogenic (1 of 4 stars; one submission).

Conditions:
SCN1A-related disorder. Also called: SCN1A-related conditions; SCN1A-related condition; SCN1A-related disorders.

Submission:

Department of Paediatrics at Addenbrookes, Cambridge University Hospitals NHS Foundation Trust (UK)
Classification: Likely pathogenic for SCN1A-related disorder. Last evaluated: 2025-05-27. Review status: criteria provided, single submitter. Criteria: Durkie Uk Practice Guidelines For Variant Classification V12 2024 (1). Collection method: clinical testing. Allele origin: unknown.
Comment: PS2_Moderate; PS4_Supporting; PM2_Moderate; PP2_Supporting; PP3_Supporting

NM_001165963.4(SCN1A):c.5494G>C (p.Ala1832Pro)

Genes: SCN1A (sodium voltage-gated channel alpha subunit 1; minus strand), LOC102724058 (uncharacterized LOC102724058; plus strand). Cytogenetic location: 2q24.3.
Variant type: single nucleotide variant.
Coding change: c.5494G>C on transcript NM_001165963.4 (MANE Select); coding-DNA position 5494, G replaced by C.
Protein change: p.Ala1832Pro; replaces alanine 1832 with proline.
Molecular consequence: missense variant. On other transcripts: non-coding transcript variant (1).
Genome position (GRCh38, 1-based): chr2:165,991,781, C>G on the plus strand (G>C on the coding strand, the complement: SCN1A is on the minus strand). VCF-style: chr2-165991781-C-G. GRCh37 (hg19) VCF-style: chr2-166848291-C-G.
Other names: c.5407G>C, p.Ala1803Pro (NM_001353960.2); c.3052G>C, p.Ala1018Pro (NM_001353961.2); c.5461G>C, p.Ala1821Pro (NM_006920.6, NM_001353949.2, NM_001353950.2 and 2 more transcripts); c.5494G>C, p.Ala1832Pro (NM_001353948.2, NM_001202435.3); c.5458G>C, p.Ala1820Pro (NM_001353954.2, NM_001353955.2); c.5410G>C, p.Ala1804Pro (NM_001353957.2, NM_001353958.2, NM_001165964.3); short protein forms A1018P, A1803P, A1804P, A1820P, A1821P, A1832P.
Identifiers: ClinVar variation 4279549 (VCV004279549.1).